The following is an entry in ClinVar:

NM_194248.3(OTOF):c.1185C>T (p.Thr395=)

Gene: OTOF (otoferlin; minus strand). Cytogenetic location: 2p23.3.
Variant type: single nucleotide variant.
Coding change: c.1185C>T on transcript NM_194248.3 (MANE Select); coding-DNA position 1185, C replaced by T.
Protein change: p.Thr395=; no amino-acid change (threonine 395 retained).
Molecular consequence: synonymous variant.
Genome position (GRCh38, 1-based): chr2:26,484,494, G>A on the plus strand (C>T on the coding strand, the complement: OTOF is on the minus strand). VCF-style: chr2-26484494-G-A. GRCh37 (hg19) VCF-style: chr2-26707362-G-A.
Other names: p.Thr395=; c.1185C>T, p.Thr395= (NM_001287489.2).
Identifiers: ClinVar variation 48165 (VCV000048165.31), dbSNP rs61739877, ClinGen allele CA142732.

ClinVar aggregate classification (germline): Benign/Likely benign. Review status: criteria provided, multiple submitters, no conflicts (2 of 4 stars). 8 submissions from 8 submitters: Benign (5); Likely benign (2). 1 of the submissions does not count toward it. Last evaluated 2026-01-31.

Conditions:
OTOF-related disorder. Also called: OTOF-related condition.
Autosomal recessive nonsyndromic hearing loss 9. Also called: Deafness, autosomal recessive 9; AUDITORY NEUROPATHY, AUTOSOMAL RECESSIVE, 1, TEMPERATURE-SENSITIVE; NEUROSENSORY NONSYNDROMIC RECESSIVE DEAFNESS 9; OTOF-Related Hearing Loss. Identifiers: Orphanet 90636, MedGen C1832828, MONDO:0010986, OMIM 601071.

Allele frequency attached by ClinVar (database versions not stated): gnomAD 0.00596; TOPMed 0.00620; 1000 Genomes Project 0.00639; ESP Exome Variant Server 0.00677; 1000 Genomes Project 30x 0.00687.
gnomAD v4.1: 1,676 of 1,614,024 alleles (0.1%); highest among the groups gnomAD compares: African/African-American, 1.9%; 15 homozygotes.

Submissions (8):

Labcorp Genetics (formerly Invitae), Labcorp
Classification: Benign. Last evaluated: 2026-01-31. Review status: criteria provided, single submitter. Criteria: Invitae Variant Classification Sherloc (09022015). Collection method: clinical testing. Allele origin: germline.

Mayo Clinic Laboratories, Mayo Clinic
Classification: Benign. Last evaluated: 2025-03-20. Review status: criteria provided, single submitter. Criteria: ACMG Guidelines, 2015. Collection method: clinical testing. Allele origin: germline. Observed: 1 variant allele.
Comment: BA1, BP4, BP7

ARUP Laboratories, Molecular Genetics and Genomics, ARUP Laboratories
Classification: Benign. Last evaluated: 2020-04-17. Review status: criteria provided, single submitter. Criteria: ARUP Molecular Germline Variant Investigation Process. Collection method: clinical testing. Allele origin: germline.

GeneDx
Classification: Benign. Last evaluated: 2018-10-30. Review status: criteria provided, single submitter. Criteria: GeneDx Variant Classification Process June 2021. Collection method: clinical testing. Allele origin: germline. Affected: yes.

Illumina Laboratory Services, Illumina
Classification: Likely benign for Autosomal recessive nonsyndromic hearing loss 9. Last evaluated: 2017-04-27. Review status: criteria provided, single submitter. Criteria: ICSL Variant Classification Criteria 13 December 2019. Collection method: clinical testing. Allele origin: germline.
Comment: This variant was observed as part of a predisposition screen in an ostensibly healthy population. A literature search was performed for the gene, cDNA change, and amino acid change (where applicable). No publications were found based on this search. Allele frequency data from public databases allowed determination this variant is unlikely to cause disease. Therefore, this variant is classified as likely benign.

Laboratory for Molecular Medicine, Mass General Brigham Personalized Medicine
Classification: Benign. Last evaluated: 2011-11-03. Review status: criteria provided, single submitter. Criteria: LMM Criteria. Collection method: clinical testing. Allele origin: germline. Observed: 8 variant alleles.
Comment: Thr395Thr in exon 12 of OTOF: This variant is not expected to have clinical sign ificance because it does not alter an amino acid residue, is not located near a splice junction and is listed in dbSNP with a frequency of 1% (55/5084) controls chromosomes (rs61739877).

Breakthrough Genomics
Classification: Likely benign. Review status: criteria provided, single submitter. Criteria: ACMG Guidelines, 2015. Collection method: not provided. Allele origin: germline. Inheritance: Autosomal recessive inheritance. Affected: yes.

PreventionGenetics, part of Exact Sciences
Classification: Benign for OTOF-related condition. Last evaluated: 2019-09-23. Review status: no assertion criteria provided. Collection method: clinical testing. Allele origin: germline. Not counted in ClinVar's aggregate classification.
Comment: This variant is classified as benign based on ACMG/AMP sequence variant interpretation guidelines (Richards et al. 2015 PMID: 25741868, with internal and published modifications).